The following is an entry in ClinVar:

ClinVar aggregate classification (germline): Uncertain significance. Review status: criteria provided, multiple submitters, no conflicts (2 of 4 stars). 2 submissions from 2 submitters: Uncertain significance (2). Last evaluated 2025-12-16.

Conditions:
Cardiovascular phenotype. Identifiers: MedGen CN230736.
Myofibrillar myopathy 4. Also called: Zaspopathy (type). Identifiers: Orphanet 98912, MedGen C4721886, MONDO:0012277, OMIM 609452.

Allele frequency attached by ClinVar (database versions not stated): gnomAD 0.00001; gnomAD exomes 0.00001 and below 0.00001; ExAC 0.00002; TOPMed below 0.00001.
gnomAD v4.1: 5 of 1,608,336 alleles (0.00031%); highest among the groups gnomAD compares: East Asian, 0.0089%; no homozygotes.

Submissions (2):

Ambry Genetics
Classification: Uncertain significance for Cardiovascular phenotype. Last evaluated: 2025-12-16. Review status: criteria provided, single submitter. Criteria: Ambry Variant Classification Scheme 2023. Collection method: clinical testing. Allele origin: germline.
Comment: The p.S123N variant (also known as c.368G>A), located in coding exon 4 of the LDB3 gene, results from a G to A substitution at nucleotide position 368. The serine at codon 123 is replaced by asparagine, an amino acid with highly similar properties. This amino acid position is conserved. In addition, this alteration is predicted to be tolerated by in silico analysis. Based on the available evidence, the clinical significance of this variant remains unclear.

Labcorp Genetics (formerly Invitae), Labcorp
Classification: Uncertain significance for Myofibrillar myopathy 4. Last evaluated: 2023-08-22. Review status: criteria provided, single submitter. Criteria: Invitae Variant Classification Sherloc (09022015). Collection method: clinical testing. Allele origin: germline.
Comment: This variant is present in population databases (rs754266629, gnomAD 0.02%). In summary, the available evidence is currently insufficient to determine the role of this variant in disease. Therefore, it has been classified as a Variant of Uncertain Significance. Algorithms developed to predict the effect of sequence changes on RNA splicing suggest that this variant is not likely to affect RNA splicing. Experimental studies and prediction algorithms are not available or were not evaluated, and the functional significance of this variant is currently unknown. ClinVar contains an entry for this variant (Variation ID: 1047143). This variant has not been reported in the literature in individuals affected with LDB3-related conditions. This sequence change replaces serine, which is neutral and polar, with asparagine, which is neutral and polar, at codon 123 of the LDB3 protein (p.Ser123Asn). The LDB3 gene has multiple clinically relevant transcripts. This variant occurs in alternate transcript NM_007078.3, and corresponds to NM_001080116.1:c.321+1325G>A in the primary transcript.

NM_007078.3(LDB3):c.368G>A (p.Ser123Asn)

Gene: LDB3 (LIM domain binding 3; plus strand). Cytogenetic location: 10q23.2.
Variant type: single nucleotide variant.
Coding change: c.368G>A on transcript NM_007078.3 (MANE Select); coding-DNA position 368, G replaced by A.
Protein change: p.Ser123Asn; replaces serine 123 with asparagine.
Molecular consequence: missense variant. On other transcripts: intron variant (5).
Genome position (GRCh38, 1-based): chr10:86,681,482, G>A. VCF-style: chr10-86681482-G-A. GRCh37 (hg19) VCF-style: chr10-88441239-G-A.
Other names: c.321+1325G>A (NM_001368066.1, NM_001080114.2, NM_001368067.1 and 2 more transcripts); c.368G>A, p.Ser123Asn (NM_001080115.2, NM_001171610.2, NM_001171611.2 and 3 more transcripts); c.368G>A (NM_007078.2); short protein forms S123N.
Identifiers: ClinVar variation 1047143 (VCV001047143.11), dbSNP rs754266629, ClinGen allele CA5584682.